The following is an entry in ClinVar:

ClinVar aggregate classification (germline): Uncertain significance (1 of 4 stars; one submission).

gnomAD v4.1: 1 of 1,476,642 alleles (0.000068%); highest among the groups gnomAD compares: Non-Finnish European, 0.000089%; no homozygotes.

Submission:

Labcorp Genetics (formerly Invitae), Labcorp
Classification: Uncertain significance. Last evaluated: 2022-03-13. Review status: criteria provided, single submitter. Criteria: Invitae Variant Classification Sherloc (09022015). Collection method: clinical testing. Allele origin: germline.
Comment: This sequence change replaces proline, which is neutral and non-polar, with glutamine, which is neutral and polar, at codon 28 of the HACD1 protein (p.Pro28Gln). This variant is not present in population databases (gnomAD no frequency). This variant has not been reported in the literature in individuals affected with HACD1-related conditions. Algorithms developed to predict the effect of missense changes on protein structure and function are either unavailable or do not agree on the potential impact of this missense change (SIFT: "Deleterious"; PolyPhen-2: "Benign"; Align-GVGD: "Class C0"). Algorithms developed to predict the effect of sequence changes on RNA splicing suggest that this variant may create or strengthen a splice site. In summary, the available evidence is currently insufficient to determine the role of this variant in disease. Therefore, it has been classified as a Variant of Uncertain Significance.

NM_014241.4(HACD1):c.83C>A (p.Pro28Gln)

Genes: HACD1 (3-hydroxyacyl-CoA dehydratase 1; minus strand), LOC130003454 (ATAC-STARR-seq lymphoblastoid silent region 2183; plus strand). Cytogenetic location: 10p12.33.
Variant type: single nucleotide variant.
Coding change: c.83C>A on transcript NM_014241.4 (MANE Select); coding-DNA position 83, C replaced by A.
Protein change: p.Pro28Gln; replaces proline 28 with glutamine.
Molecular consequence: missense variant.
Genome position (GRCh38, 1-based): chr10:17,617,257, G>T on the plus strand (C>A on the coding strand, the complement: HACD1 is on the minus strand). VCF-style: chr10-17617257-G-T. GRCh37 (hg19) VCF-style: chr10-17659256-G-T.
Other names: short protein forms P28Q.
Identifiers: ClinVar variation 1940408 (VCV001940408.4), dbSNP rs2493902612, ClinGen allele CA376209170.